The following is an entry in ClinVar:

NM_001206927.2(DNAH8):c.3913A>G (p.Asn1305Asp)

Gene: DNAH8 (dynein axonemal heavy chain 8; plus strand). Cytogenetic location: 6p21.2.
Variant type: single nucleotide variant.
Coding change: c.3913A>G on transcript NM_001206927.2 (MANE Select); coding-DNA position 3913, A replaced by G.
Protein change: p.Asn1305Asp; replaces asparagine 1305 with aspartic acid.
Molecular consequence: missense variant.
Genome position (GRCh38, 1-based): chr6:38,826,221, A>G. VCF-style: chr6-38826221-A-G. GRCh37 (hg19) VCF-style: chr6-38793997-A-G.
Other names: c.3913A>G (NM_001206927.1); c.3262A>G, p.Asn1088Asp (NM_001371.4); short protein forms N1305D, N1088D.
Identifiers: ClinVar variation 1448742 (VCV001448742.5), dbSNP rs754563016, ClinGen allele CA3788972.
Genomic context (GRCh38, chr6:38,826,221, plus strand): 5'-ATGAAATTGGCCTTATCCATCGAGGCCAAGGCATGGAAGATGTTACTCTGTCGATATCTG[A>G]ATGAAGAATACAAAAAGAAAATGTCATACATGATAGCATTTATTAATGAATACTTGAAAA-3'
Protein context (NP_001193856.1, residues 1295-1315): AWKMLLCRYL[Asn1305Asp]EEYKKKMSYM

ClinVar aggregate classification (germline): Uncertain significance. Review status: criteria provided, multiple submitters, no conflicts (2 of 4 stars). 2 submissions from 2 submitters: Uncertain significance (2). Last evaluated 2025-08-19.

Conditions:
Primary ciliary dyskinesia. Also called: Ciliary dyskinesia. Identifiers: Orphanet 244, MedGen C0008780, MONDO:0016575, HP:0012265.

Allele frequency attached by ClinVar (database versions not stated): gnomAD 0.00001; TOPMed 0.00001; gnomAD exomes 0.00004 and 0.00011; ExAC 0.00008.
gnomAD v4.1: 28 of 1,613,596 alleles (0.0017%); highest among the groups gnomAD compares: Admixed American, 0.047%; no homozygotes.

Submissions (2):

Ambry Genetics
Classification: Uncertain significance. Last evaluated: 2025-08-19. Review status: criteria provided, single submitter. Criteria: Ambry Variant Classification Scheme 2023. Collection method: clinical testing. Allele origin: germline.

Labcorp Genetics (formerly Invitae), Labcorp
Classification: Uncertain significance for Primary ciliary dyskinesia. Last evaluated: 2022-03-19. Review status: criteria provided, single submitter. Criteria: Invitae Variant Classification Sherloc (09022015). Collection method: clinical testing. Allele origin: germline.
Comment: In summary, the available evidence is currently insufficient to determine the role of this variant in disease. Therefore, it has been classified as a Variant of Uncertain Significance. Algorithms developed to predict the effect of missense changes on protein structure and function are either unavailable or do not agree on the potential impact of this missense change (SIFT: "Tolerated"; PolyPhen-2: "Not Available"; Align-GVGD: "Class C0"). This variant has not been reported in the literature in individuals affected with DNAH8-related conditions. This variant is present in population databases (rs754563016, gnomAD 0.08%). This sequence change replaces asparagine, which is neutral and polar, with aspartic acid, which is acidic and polar, at codon 1305 of the DNAH8 protein (p.Asn1305Asp).